The following is an entry in ClinVar:

NM_001372.4(DNAH9):c.1351-3T>C

Gene: DNAH9 (dynein axonemal heavy chain 9; plus strand). Cytogenetic location: 17p12.
Variant type: single nucleotide variant.
Coding change: c.1351-3T>C on transcript NM_001372.4 (MANE Select); 3 bases into the intron before coding-DNA position 1351, T replaced by C.
Molecular consequence: intron variant.
Genome position (GRCh38, 1-based): chr17:11,629,414, T>C. VCF-style: chr17-11629414-T-C. GRCh37 (hg19) VCF-style: chr17-11532731-T-C.
Identifiers: ClinVar variation 2816607 (VCV002816607.1), dbSNP rs2544245948, ClinGen allele CA2636151280.
Genomic context (GRCh38, chr17:11,629,414, plus strand): 5'-TTTTTTGTCCTTGCGATAGTTTGCTGAGAATGATTTTAACTTTTTTGTGAATTGTCCCCA[T>C]AGGGTCTTCTGAAGACGGCCCTGGATTTCCACAAACTGGGAAAGGTGGAGTTCAGCGGCG-3'

ClinVar aggregate classification (germline): Uncertain significance (1 of 4 stars; one submission).

Allele frequency attached by ClinVar (database versions not stated): gnomAD exomes below 0.00001.
gnomAD v4.1: 6 of 1,613,454 alleles (0.00037%); highest among the groups gnomAD compares: Non-Finnish European, 0.00051%; no homozygotes.

Submission:

Labcorp Genetics (formerly Invitae), Labcorp
Classification: Uncertain significance. Last evaluated: 2022-11-25. Review status: criteria provided, single submitter. Criteria: Invitae Variant Classification Sherloc (09022015). Collection method: clinical testing. Allele origin: germline.
Comment: In summary, the available evidence is currently insufficient to determine the role of this variant in disease. Therefore, it has been classified as a Variant of Uncertain Significance. Variants that disrupt the consensus splice site are a relatively common cause of aberrant splicing (PMID: 17576681, 9536098). Algorithms developed to predict the effect of sequence changes on RNA splicing suggest that this variant is not likely to affect RNA splicing. This variant has not been reported in the literature in individuals affected with DNAH9-related conditions. This variant is not present in population databases (gnomAD no frequency). This sequence change falls in intron 6 of the DNAH9 gene. It does not directly change the encoded amino acid sequence of the DNAH9 protein. It affects a nucleotide within the consensus splice site.

Literature cited by the submitters: PubMed 17576681; PubMed 9536098.